The following is an entry in ClinVar:

NM_152703.5(SAMD9L):c.4396A>G (p.Met1466Val)

Gene: SAMD9L (sterile alpha motif domain containing 9 like; minus strand). Cytogenetic location: 7q21.2.
Variant type: single nucleotide variant.
Coding change: c.4396A>G on transcript NM_152703.5 (MANE Select); coding-DNA position 4396, A replaced by G.
Protein change: p.Met1466Val; replaces methionine 1466 with valine.
Molecular consequence: missense variant.
Genome position (GRCh38, 1-based): chr7:93,131,576, T>C on the plus strand (A>G on the coding strand, the complement: SAMD9L is on the minus strand). VCF-style: chr7-93131576-T-C. GRCh37 (hg19) VCF-style: chr7-92760889-T-C.
Other names: c.4396A>G, p.Met1466Val (NM_001303496.3, NM_001303497.3, NM_001303498.3 and 5 more transcripts); short protein forms M1466V.
Identifiers: ClinVar variation 3792288 (VCV003792288.1).

ClinVar aggregate classification (germline): Uncertain significance (1 of 4 stars; one submission).

Conditions:
Inborn genetic diseases. Identifiers: MedGen C0950123, MeSH D030342.

Submission:

Ambry Genetics
Classification: Uncertain significance for Inborn genetic diseases. Last evaluated: 2025-01-07. Review status: criteria provided, single submitter. Criteria: Ambry Variant Classification Scheme 2023. Collection method: clinical testing. Allele origin: germline.
Comment: The p.M1466V variant (also known as c.4396A>G), located in coding exon 1 of the SAMD9L gene, results from an A to G substitution at nucleotide position 4396. The methionine at codon 1466 is replaced by valine, an amino acid with highly similar properties. This amino acid position is conserved. In addition, this alteration is predicted to be tolerated by in silico analysis. Based on the available evidence, the clinical significance of this variant remains unclear.